The following is an entry in ClinVar:

ClinVar aggregate classification (germline): Benign (1 of 4 stars; one submission).

Allele frequency attached by ClinVar (database versions not stated): 1000 Genomes Project 30x 0.02420; gnomAD 0.56991 and 0.57465.

Submission:

GeneDx
Classification: Benign. Last evaluated: 2018-06-18. Review status: criteria provided, single submitter. Criteria: GeneDx Variant Classification (06012015). Collection method: clinical testing. Allele origin: germline. Affected: yes.
Comment: This variant is considered likely benign or benign based on one or more of the following criteria: it is a conservative change, it occurs at a poorly conserved position in the protein, it is predicted to be benign by multiple in silico algorithms, and/or has population frequency not consistent with disease.

NM_172107.4(KCNQ2):c.388-319del

Gene: KCNQ2 (potassium voltage-gated channel subfamily Q member 2; minus strand). Cytogenetic location: 20q13.33.
Variant type: Deletion.
Coding change: c.388-319del on transcript NM_172107.4 (MANE Select); 319 bases into the intron before coding-DNA position 388, one base deleted (T; older notation c.388-319delT).
Molecular consequence: intron variant.
Genome position (GRCh38, 1-based): chr20:63,445,683, A deleted on the plus strand (T on the coding strand, the reverse complement: KCNQ2 is on the minus strand). VCF-style (leftmost placement, unchanged base first): chr20-63445682-TA-T. GRCh37 (hg19) VCF-style: chr20-62077035-TA-T.
Other names: c.388-319del (NM_004518.6, NM_172108.5, NM_172106.3 and 1 more transcripts).
Identifiers: ClinVar variation 683719 (VCV000683719.1), dbSNP rs201082930, ClinGen allele CA317462891.
Genomic context (GRCh38, chr20:63,445,682, plus strand): 5'-TGGGGACTCTATCTGGGCTAGGGGACCATGTCTGAGCTGGCAGGGCTGCCCTGTCTGAGC[TA>T]GGGGGTTCTATCTGGGCTAGGGAACCCTGTCTGAGCTGGGAGGCCCTGTCTGAGCTGGGA-3'